The following is an entry in ClinVar:

ClinVar aggregate classification (germline): Conflicting classifications of pathogenicity. Review status: criteria provided, conflicting classifications (1 of 4 stars). 2 submissions from 2 submitters: Pathogenic (1); Uncertain significance (1). Last evaluated 2022-07-06.

Conditions:
Meckel-Gruber syndrome. Also called: Dysencephalia splachnocystica; DYSENCEPHALIA SPLANCHNOCYSTICA; GRUBER SYNDROME. Identifiers: Orphanet 564, MedGen C0265215, MONDO:0018921.
Joubert syndrome. Also called: CEREBELLOPARENCHYMAL DISORDER IV; JOUBERT-BOLTSHAUSER SYNDROME; Familial aplasia of the vermis. Identifiers: Orphanet 475, MedGen C5979921, MONDO:0018772.

gnomAD v4.1: 3 of 1,614,068 alleles (0.00019%); highest among the groups gnomAD compares: Admixed American, 0.005%; no homozygotes.

Submissions (2):

Labcorp Genetics (formerly Invitae), Labcorp
Classification: Uncertain significance for Joubert syndrome; Meckel-Gruber syndrome. Last evaluated: 2022-07-06. Review status: criteria provided, single submitter. Criteria: Invitae Variant Classification Sherloc (09022015). Collection method: clinical testing. Allele origin: germline.
Comment: ClinVar contains an entry for this variant (Variation ID: 217553). This missense change has been observed in individual(s) with Joubert syndrome (PMID: 26092869). This variant is present in population databases (rs373478202, gnomAD 0.006%). This sequence change replaces phenylalanine, which is neutral and non-polar, with leucine, which is neutral and non-polar, at codon 95 of the B9D1 protein (p.Phe95Leu). Algorithms developed to predict the effect of missense changes on protein structure and function (SIFT, PolyPhen-2, Align-GVGD) all suggest that this variant is likely to be tolerated. In summary, the available evidence is currently insufficient to determine the role of this variant in disease. Therefore, it has been classified as a Variant of Uncertain Significance. Algorithms developed to predict the effect of sequence changes on RNA splicing suggest that this variant may disrupt the consensus splice site.

UW Hindbrain Malformation Research Program, University of Washington
Classification: Pathogenic for Joubert syndrome. Last evaluated: 2015-02-23. Review status: criteria provided, single submitter. Criteria: Bachmann-Gagescu et al. (J Med Genet. 2015). Collection method: research. Allele origin: unknown. Affected: yes.

Literature cited by the submitters: PubMed 26092869 (cited by Labcorp Genetics (formerly Invitae), Labcorp).

NM_015681.6(B9D1):c.285C>A (p.Phe95Leu)

Gene: B9D1 (B9 domain containing 1; minus strand). Cytogenetic location: 17p11.2.
Variant type: single nucleotide variant.
Coding change: c.285C>A on transcript NM_015681.6 (MANE Select); coding-DNA position 285, C replaced by A.
Protein change: p.Phe95Leu; replaces phenylalanine 95 with leucine.
Molecular consequence: missense variant. On other transcripts: 5 prime UTR variant (1).
Genome position (GRCh38, 1-based): chr17:19,347,840, G>T on the plus strand (C>A on the coding strand, the complement: B9D1 is on the minus strand). VCF-style: chr17-19347840-G-T. GRCh37 (hg19) VCF-style: chr17-19251153-G-T.
Other names: c.285C>A, p.Phe95Leu (NM_001321214.2, NM_001321215.3, NM_001321216.2 and 4 more transcripts); c.-76C>A (NM_001368769.2); short protein forms F95L.
Identifiers: ClinVar variation 217553 (VCV000217553.5), dbSNP rs373478202, ClinGen allele CA210334.
Genomic context (GRCh38, chr17:19,347,840, plus strand): 5'-CTACCGGCCAGGTGAGAAGGGCACGTGCACGGCCCCATAGCCTCGAACCACATCGTTCCC[G>T]AACACATCTGGTCCATACACGCTGAGCACGATCTGTGGCCCTTGGGAAGGACAAGGCAGG-3'
Protein context (NP_056496.1, residues 85-105): IVLSVYGPDV[Phe95Leu]GNDVVRGYGA